The following is an entry in ClinVar:

NM_152268.4(PARS2):c.32T>A (p.Leu11Ter)

Gene: PARS2 (prolyl-tRNA synthetase 2, mitochondrial; minus strand). Cytogenetic location: 1p32.3.
Variant type: single nucleotide variant.
Coding change: c.32T>A on transcript NM_152268.4 (MANE Select); coding-DNA position 32, T replaced by A.
Protein change: p.Leu11Ter; replaces leucine 11 with a stop codon.
Molecular consequence: nonsense.
Genome position (GRCh38, 1-based): chr1:54,759,130, A>T on the plus strand (T>A on the coding strand, the complement: PARS2 is on the minus strand). VCF-style: chr1-54759130-A-T. GRCh37 (hg19) VCF-style: chr1-55224803-A-T.
Other names: short protein forms L11*.
Identifiers: ClinVar variation 3899361 (VCV003899361.2).
Genomic context (GRCh38, chr1:54,759,130, plus strand): 5'-TGGTGAAACCTGCAAGGAACATACCCAGAGAGCTGGCGGCTGCAGGTGGCCAGGGCGGGC[A>T]ATGCTCTGCATCTTGTCAGCAGCCCTTCCATGACACCCTGGCACCGGGAAGCACAGGCAC-3'

ClinVar aggregate classification (germline): Uncertain significance (1 of 4 stars; one submission).

Conditions:
Developmental and epileptic encephalopathy, 75. Also called: EPILEPTIC ENCEPHALOPATHY, EARLY INFANTILE, 75. Identifiers: MedGen C5193099, MONDO:0032752, OMIM 618437.

Submission:

Juno Genomics, Hangzhou Juno Genomics, Inc
Classification: Uncertain significance for Developmental and epileptic encephalopathy, 75. Review status: criteria provided, single submitter. Criteria: ACMG Guidelines, 2015. Collection method: clinical testing. Allele origin: germline. Affected: yes.
Comment: Absent from controls (or at extremely low frequency if recessive) in Genome Aggregation Database, Exome Sequencing Project, 1000 Genomes Project, or Exome Aggregation Consortium.;Null variant in a gene where loss of function (LOF) is a known mechanism of disease.;For recessive disorders, detected in trans with a pathogenic variant.